The following is an entry in ClinVar:

ClinVar aggregate classification (germline): Likely pathogenic (1 of 4 stars; one submission).

Conditions:
Nemaline myopathy. Also called: Myopathies, Nemaline. Identifiers: Orphanet 607, MedGen C0206157, MONDO:0018958.

Submission:

Women's Health and Genetics/Laboratory Corporation of America, LabCorp
Classification: Likely pathogenic for Nemaline myopathy. Last evaluated: 2023-08-07. Review status: criteria provided, single submitter. Criteria: LabCorp Variant Classification Summary - May 2015. Collection method: clinical testing. Allele origin: germline.
Comment: Variant summary: NEB c.14827-2A>C is located in a canonical splice-site and is predicted to affect mRNA splicing resulting in a significantly altered protein due to either exon skipping, shortening, or inclusion of intronic material. Several computational tools predict a significant impact on normal splicing: Four out of four predict the variant abolishes a 3' canonical acceptor site. However, these predictions have yet to be confirmed by functional studies. The variant was absent in 56994 control chromosomes. To our knowledge, no occurrence of c.14827-2A>C in individuals affected with Nemaline Myopathy 2 and no experimental evidence demonstrating its impact on protein function have been reported. No submitters have cited clinical-significance assessments for this variant to ClinVar after 2014. Based on the evidence outlined above, the variant was classified as likely pathogenic.

NM_001164508.2(NEB):c.14827-2A>C

Gene: NEB (nebulin; minus strand). Cytogenetic location: 2q23.3.
Variant type: single nucleotide variant.
Coding change: c.14827-2A>C on transcript NM_001164508.2 (MANE Select); the canonical splice acceptor site of the intron before coding-DNA position 14827, A replaced by C.
Molecular consequence: splice acceptor variant. On other transcripts: intron variant (1).
Genome position (GRCh38, 1-based): chr2:151,591,457, T>G on the plus strand (A>C on the coding strand, the complement: NEB is on the minus strand). VCF-style: chr2-151591457-T-G. GRCh37 (hg19) VCF-style: chr2-152447971-T-G.
Other names: c.11602-15103A>C (NM_004543.5); c.14827-2A>C (NM_001164507.2, NM_001271208.2).
Identifiers: ClinVar variation 2581523 (VCV002581523.1), dbSNP rs2552215485, ClinGen allele CA348762398.